The following is an entry in ClinVar:

NM_000059.4(BRCA2):c.1265del (p.Asn422fs)

Gene: BRCA2 (BRCA2 DNA repair associated; plus strand). Cytogenetic location: 13q13.1.
Variant type: Deletion.
Coding change: c.1265del on transcript NM_000059.4 (MANE Select); coding-DNA position 1265, one base deleted (A; older notation c.1265delA).
Protein change: p.Asn422fs; shifts the reading frame from asparagine 422.
Molecular consequence: frameshift variant.
Genome position (GRCh38, 1-based): chr13:32,332,743, A deleted; the last of 4 consecutive A bases (chr13:32,332,740-32,332,743); deleting any one gives the same sequence. VCF-style (leftmost placement, unchanged base first): chr13-32332739-CA-C. GRCh37 (hg19) VCF-style: chr13-32906876-CA-C.
Other names: 1493delA; c.1265delA (NM_000059.3).
Identifiers: ClinVar variation 37735 (VCV000037735.73), dbSNP rs80359273, ClinGen allele CA011394.
Genomic context (GRCh38, chr13:32,332,739, plus strand): 5'-TCAGGTCTAAATGGAGCCCAGATGGAGAAAATACCCCTATTGCATATTTCTTCATGTGAC[CA>C]AAATATTTCAGAAAAAGACCTATTAGACACAGAGAACAAAAGAAAGAAAGATTTTCTTAC-3'

ClinVar aggregate classification (germline): Pathogenic. Review status: reviewed by expert panel (3 of 4 stars). 18 submissions from 18 submitters: Pathogenic (1). 17 of the submissions do not count toward it. Last evaluated 2016-09-08.

Conditions:
BRCA2-related cancer predisposition. Identifiers: MedGen CN377758, MONDO:0700269.
Hereditary cancer-predisposing syndrome. Also called: Neoplastic Syndromes, Hereditary; Tumor predisposition; Hereditary Cancer Syndrome; Hereditary neoplastic syndrome. Identifiers: Orphanet 140162, MedGen C0027672, MeSH D009386, MONDO:0015356.
Hereditary breast ovarian cancer syndrome. Also called: Hereditary breast and ovarian cancer; Breast and ovarian cancer; Hereditary breast and/or ovarian cancer syndrome; Hereditary breast and ovarian cancer syndrome (HBOC); Hereditary breast and ovarian cancer syndrome; BRCA1- and BRCA2-Associated Hereditary Breast and Ovarian Cancer. Identifiers: Orphanet 145, MedGen C0677776, MeSH D061325, MONDO:0003582. Disease mechanism: loss of function.
Breast-ovarian cancer, familial, susceptibility to, 2 (BROVCA2). Also called: BRCA2 Hereditary Breast and Ovarian Cancer. Identifiers: Orphanet 145, MedGen C2675520, MONDO:0012933, OMIM 612555. Disease mechanism: loss of function.
Familial cancer of breast. Also called: BREAST CANCER, FAMILIAL; Hereditary breast cancer; hereditary breast carcinoma. Identifiers: Orphanet 227535, MedGen C0346153, MONDO:0016419, OMIM 114480. Disease mechanism: loss of function.

Submissions 1 to 9 of 18:

Evidence-based Network for the Interpretation of Germline Mutant Alleles (ENIGMA)
Classification: Pathogenic for Breast-ovarian cancer, familial, susceptibility to, 2. Last evaluated: 2016-09-08. Review status: reviewed by expert panel. Criteria: ENIGMA BRCA1/2 Classification Criteria (2015). Collection method: curation. Allele origin: germline.
Comment: Variant allele predicted to encode a truncated non-functional protein.

Labcorp Genetics (formerly Invitae), Labcorp
Classification: Pathogenic for Hereditary breast ovarian cancer syndrome. Last evaluated: 2026-01-16. Review status: criteria provided, single submitter. Criteria: Invitae Variant Classification Sherloc (09022015). Collection method: clinical testing. Allele origin: germline. Not counted in ClinVar's aggregate classification.
Comment: This sequence change creates a premature translational stop signal (p.Asn422Ilefs*8) in the BRCA2 gene. It is expected to result in an absent or disrupted protein product. Loss-of-function variants in BRCA2 are known to be pathogenic (PMID: 20104584). This variant is present in population databases (rs757511530, gnomAD 0.0009%). This premature translational stop signal has been observed in individual(s) with ovarian cancer and prostate cancer (PMID: 17148771, 21324516, 21952622, 23569316, 24728189). This variant is also known as 1493delA. ClinVar contains an entry for this variant (Variation ID: 37735). For these reasons, this variant has been classified as Pathogenic.

Ambry Genetics
Classification: Pathogenic for Hereditary cancer-predisposing syndrome. Last evaluated: 2024-06-18. Review status: criteria provided, single submitter. Criteria: Ambry Variant Classification Scheme 2023. Collection method: clinical testing. Allele origin: germline. Not counted in ClinVar's aggregate classification.
Comment: The c.1265delA pathogenic mutation, located in coding exon 9 of the BRCA2 gene, results from a deletion of one nucleotide at nucleotide position 1265, causing a translational frameshift with a predicted alternate stop codon (p.N422Ifs*8). This mutation has been reported in multiple patients with breast, ovarian, or prostate cancer (Risch HA et al. J. Natl. Cancer Inst. 2006 Dec;98:1694-706; Kote-Jarai Z et al. Br. J. Cancer 2011 Oct;105:1230-4; Castro E et al. J. Clin. Oncol. 2013 May;31(14):1748-57; Song H et al. Hum. Mol. Genet. 2014 Sep 1;23(17):4703-9; Lu C et al. Nat Commun. 2015 Dec 22;6:10086; Maxwell KN et al. Nat Commun, 2017 08;8:319). Of note, this alteration is also designated as 1493delA and c.1262delA in published literature. In addition to the clinical data presented in the literature, this alteration is expected to result in loss of function by premature protein truncation or nonsense-mediated mRNA decay. As such, this alteration is interpreted as a disease-causing mutation.

All of Us Research Program, National Institutes of Health
Classification: Pathogenic for BRCA2-related cancer predisposition. Last evaluated: 2024-03-28. Review status: criteria provided, single submitter. Criteria: ACMG Guidelines, 2015. Collection method: clinical testing. Allele origin: germline. Inheritance: Autosomal dominant inheritance. Observed: 2 variant alleles, 2 heterozygotes. Not counted in ClinVar's aggregate classification.
Comment: The c.1265del (p.Asn422Ilefs*8) variant in the BRCA2 gene is located on the exon 10 and is predicted to result in shift of reading frame that introduces a premature translation termination codon (p.Asn422Ilefs*8), resulting in an absent or disrupted protein product. Loss-of-function variants of BRCA2 are known to be pathogenic (PMID: 29446198, 11897832, 8988179). This variant has been reported in multiple individuals with breast/ovarian/prostate cancer (PMID: 21952622, 29446198, 24728189). The variant is reported in ClinVar as pathogenic (ID: 37735) and reviewed by the expert panel. The variant is absent in the general population database (gnomAD). Therefore, the c.1265del (p.Asn422Ilefs*8) variant of BRCA2 has been classified as pathogenic.

This study involves interpretation of variants in research participants for the purpose of population health screening. Participant phenotype was not available at the time of variant classification. Additional details can be found in publication PMID: 35346344, PMCID: PMC8962531

Baylor Genetics
Classification: Pathogenic for Familial cancer of breast. Last evaluated: 2024-01-26. Review status: criteria provided, single submitter. Criteria: ACMG Guidelines, 2015. Collection method: clinical testing. Allele origin: unknown. Not counted in ClinVar's aggregate classification.

Color Diagnostics, LLC DBA Color Health
Classification: Pathogenic for Hereditary cancer-predisposing syndrome. Last evaluated: 2023-08-08. Review status: criteria provided, single submitter. Criteria: ACMG Guidelines, 2015. Collection method: clinical testing. Allele origin: germline. Not counted in ClinVar's aggregate classification.
Comment: This variant deletes 1 nucleotide in exon 10 of the BRCA2 gene, creating a frameshift and premature translation stop signal. This variant is expected to result in an absent or non-functional protein product. This variant has been reported in 4 individuals affected with breast or ovarian cancer (PMID: 8640236, 17148771, 21324516, 24728189, 29625052). This variant has been identified in 1/240472 chromosomes in the general population by the Genome Aggregation Database (gnomAD). Loss of BRCA2 function is a known mechanism of disease. Based on the available evidence, this variant is classified as Pathogenic.

GeneDx
Classification: Pathogenic. Last evaluated: 2023-03-08. Review status: criteria provided, single submitter. Criteria: GeneDx Variant Classification Process June 2021. Collection method: clinical testing. Allele origin: germline. Affected: yes. Not counted in ClinVar's aggregate classification.
Comment: Frameshift variant predicted to result in protein truncation or nonsense mediated decay in a gene for which loss-of-function is a known mechanism of disease; Observed in individuals with BRCA2-related cancers (Risch et al., 2006; Kote-Jarai et al., 2011; Zhang et al., 2011, Song et al., 2014); Not observed in large population cohorts (gnomAD); Truncating variants in this gene are considered pathogenic by a well-established clinical consortium and/or database; Also known as 1493delA; This variant is associated with the following publications: (PMID: 28831036, 21952622, 24728189, 30720243, 29922827, 28888541, 26689913, 21324516, 17148771, 23569316, 27225637, 29625052, 31948886, 30787465, 32090079, 29446198, 20104584)

Women's Health and Genetics/Laboratory Corporation of America, LabCorp
Classification: Pathogenic for Hereditary breast ovarian cancer syndrome. Last evaluated: 2022-02-07. Review status: criteria provided, single submitter. Criteria: LabCorp Variant Classification Summary - May 2015. Collection method: clinical testing. Allele origin: germline. Not counted in ClinVar's aggregate classification.
Comment: Variant summary: BRCA2 c.1265delA (p.Asn422IlefsX8) results in a premature termination codon, predicted to cause a truncation of the encoded protein or absence of the protein due to nonsense mediated decay, which are commonly known mechanisms for disease. Truncations downstream of this position have been classified as pathogenic by our laboratory. The variant was absent in 248930 control chromosomes (gnomAD). c.1265delA has been reported in the literature in multiple individuals affected with Hereditary Breast And Ovarian Cancer (examples: Risch_2006, , Kote-Jarai_2011, Song_2014 and NHGRI BIC database). These data indicate that the variant is very likely to be associated with disease. One expert panel and eight clinical diagnostic laboratories have submitted clinical-significance assessments for this variant to ClinVar after 2014 and all classified the variant as pathogenic. Based on the evidence outlined above, the variant was classified as pathogenic.

CeGaT Center for Human Genetics Tuebingen
Classification: Pathogenic. Last evaluated: 2022-01-01. Review status: criteria provided, single submitter. Criteria: CeGaT Center For Human Genetics Tuebingen Variant Classification Criteria Version 2. Collection method: clinical testing. Allele origin: germline. Affected: yes. Observed: 1 variant allele. Not counted in ClinVar's aggregate classification.